The following is an entry in ClinVar:

ClinVar aggregate classification (germline): Uncertain significance (1 of 4 stars; one submission).

Conditions:
Dyskeratosis congenita, autosomal dominant 6 (DKCA6). Identifiers: Orphanet 3322, MedGen C4225284, MONDO:0014690, OMIM 616553.

Submission:

Labcorp Genetics (formerly Invitae), Labcorp
Classification: Uncertain significance for Dyskeratosis congenita, autosomal dominant 6. Last evaluated: 2021-12-02. Review status: criteria provided, single submitter. Criteria: Invitae Variant Classification Sherloc (09022015). Collection method: clinical testing. Allele origin: germline.
Comment: This variant is not present in population databases (gnomAD no frequency). This sequence change creates a premature translational stop signal (p.Trp24*) in the ACD gene. It is expected to result in an absent or disrupted protein product. However, the current clinical and genetic evidence is not sufficient to establish whether loss-of-function variants in ACD cause disease. This variant has not been reported in the literature in individuals affected with ACD-related conditions. In summary, the available evidence is currently insufficient to determine the role of this variant in disease. Therefore, it has been classified as a Variant of Uncertain Significance.

NC_000016.10:g.67660408C>T

Genes: ACD (ACD shelterin complex subunit and telomerase recruitment factor; minus strand), LOC130059224 (ATAC-STARR-seq lymphoblastoid silent region 7617; plus strand). Cytogenetic location: 16q22.1.
Variant type: single nucleotide variant.
Genome position: GRCh38 VCF-style: chr16-67660408-C-T. GRCh37 (hg19) VCF-style: chr16-67694311-C-T.
Identifiers: ClinVar variation 2416678 (VCV002416678.43), dbSNP rs774278103, ClinGen allele CA396359959.